The following is an entry in ClinVar:

NM_152347.5(EFCAB13):c.2904C>T (p.Asn968=)

Gene: EFCAB13 (EF-hand calcium binding domain 13; plus strand). Cytogenetic location: 17q21.32.
Variant type: single nucleotide variant.
Coding change: c.2904C>T on transcript NM_152347.5 (MANE Select); coding-DNA position 2904, C replaced by T.
Protein change: p.Asn968=; no amino-acid change (asparagine 968 retained).
Molecular consequence: synonymous variant.
Genome position (GRCh38, 1-based): chr17:47,440,696, C>T. VCF-style: chr17-47440696-C-T. GRCh37 (hg19) VCF-style: chr17-45518062-C-T.
Identifiers: ClinVar variation 3037456 (VCV003037456.2), dbSNP rs184988439, ClinGen allele CA8624383.

ClinVar aggregate classification (germline): Benign (0 of 4 stars; one submission).

Conditions:
EFCAB13-related disorder. Also called: EFCAB13-related condition.

Allele frequency attached by ClinVar (database versions not stated): gnomAD exomes 0.00029; 1000 Genomes Project 0.00080; gnomAD 0.00090; ExAC 0.00115; TOPMed 0.00128; 1000 Genomes Project 30x 0.00141.
gnomAD v4.1: 542 of 1,567,804 alleles (0.035%); highest among the groups gnomAD compares: Admixed American, 1%; 7 homozygotes.

Submission:

PreventionGenetics, part of Exact Sciences
Classification: Benign for EFCAB13-related condition. Last evaluated: 2019-05-08. Review status: no assertion criteria provided. Collection method: clinical testing. Allele origin: germline.
Comment: This variant is classified as benign based on ACMG/AMP sequence variant interpretation guidelines (Richards et al. 2015 PMID: 25741868, with internal and published modifications).